The following is an entry in ClinVar:

ClinVar aggregate classification (germline): Uncertain significance (1 of 4 stars; one submission).

Submission:

GeneDx
Classification: Uncertain significance. Last evaluated: 2026-04-23. Review status: criteria provided, single submitter. Criteria: GeneDx Variant Classification Process June 2021. Collection method: clinical testing. Allele origin: germline.
Comment: Not observed at significant frequency in large population cohorts (gnomAD); In silico analysis supports that this missense variant has a deleterious effect on protein structure/function; Has not been previously published as pathogenic or benign to our knowledge

NM_003128.3(SPTBN1):c.5822G>A (p.Arg1941Lys)

Gene: SPTBN1 (spectrin beta, non-erythrocytic 1; plus strand). Cytogenetic location: 2p16.2.
Variant type: single nucleotide variant.
Coding change: c.5822G>A on transcript NM_003128.3 (MANE Select); coding-DNA position 5822, G replaced by A.
Protein change: p.Arg1941Lys; replaces arginine 1941 with lysine.
Molecular consequence: missense variant.
Genome position (GRCh38, 1-based): chr2:54,653,853, G>A. VCF-style: chr2-54653853-G-A. GRCh37 (hg19) VCF-style: chr2-54880990-G-A.
Other names: c.5783G>A, p.Arg1928Lys (NM_178313.3); short protein forms R1928K, R1941K.
Identifiers: ClinVar variation 5037626 (VCV005037626.1).